The following is an entry in ClinVar:

ClinVar aggregate classification (germline): Pathogenic (1 of 4 stars; one submission).

Conditions:
Hereditary cancer-predisposing syndrome. Also called: Hereditary neoplastic syndrome; Neoplastic Syndromes, Hereditary; Tumor predisposition; Hereditary Cancer Syndrome. Identifiers: Orphanet 140162, MedGen C0027672, MeSH D009386, MONDO:0015356.

Submission:

Ambry Genetics
Classification: Pathogenic for Hereditary cancer-predisposing syndrome. Last evaluated: 2025-09-08. Review status: criteria provided, single submitter. Criteria: Ambry Variant Classification Scheme 2023. Collection method: clinical testing. Allele origin: germline.
Comment: The c.1540delA pathogenic mutation, located in coding exon 14 of the NF2 gene, results from a deletion of one nucleotide at nucleotide position 1540, causing a translational frameshift with a predicted alternate stop codon (p.M514*). This variant was reported in individual(s) with features consistent with NF2-related schwannomatosis (Ambry internal data). This variant is considered to be rare based on population cohorts in the Genome Aggregation Database (gnomAD). This alteration is expected to result in loss of function by premature protein truncation or nonsense-mediated mRNA decay. As such, this alteration is interpreted as a disease-causing mutation.

NM_000268.4(NF2):c.1540del (p.Asp513_Met514insTer)

Gene: NF2 (NF2, moesin-ezrin-radixin like (MERLIN) tumor suppressor; plus strand). Cytogenetic location: 22q12.2.
Variant type: Deletion.
Coding change: c.1540del on transcript NM_000268.4 (MANE Select); coding-DNA position 1540, one base deleted (A; older notation c.1540delA).
Protein change: p.Asp513_Met514insTer.
Molecular consequence: nonsense. On other transcripts: non-coding transcript variant (1), intron variant (1).
Genome position (GRCh38, 1-based): chr22:29,678,289, A deleted. VCF-style (leftmost placement, unchanged base first): chr22-29678288-CA-C. GRCh37 (hg19) VCF-style: chr22-30074277-CA-C.
Other names: c.1426del, p.Asp475_Met476insTer (NM_001407053.1, NM_001407056.1); c.1417del, p.Asp472_Met473insTer (NM_001407054.1, NM_001407058.1, NM_181829.3); c.1414del, p.Asp471_Met472insTer (NM_001407055.1, NM_181828.3); c.1405del, p.Asp468_Met469insTer (NM_001407057.1, NM_001407059.1); c.1540del, p.Asp513_Met514insTer (NM_001407060.1, NM_001407066.1, NM_016418.5 and 2 more transcripts); c.1282del, p.Asp427_Met428insTer (NM_001407062.1); c.1291del, p.Asp430_Met431insTer (NM_001407063.1, NM_001407064.1, NM_181830.3 and 1 more transcripts); c.1006del, p.Asp335_Met336insTer (NM_001407065.1); and 2 more.
Identifiers: ClinVar variation 4119221 (VCV004119221.1).